The following is an entry in ClinVar:

NM_022455.5(NSD1):c.5630G>A (p.Arg1877His)

Gene: NSD1 (nuclear receptor binding SET domain protein 1; plus strand). Cytogenetic location: 5q35.3.
Variant type: single nucleotide variant.
Coding change: c.5630G>A on transcript NM_022455.5 (MANE Select); coding-DNA position 5630, G replaced by A.
Protein change: p.Arg1877His; replaces arginine 1877 with histidine.
Molecular consequence: missense variant.
Genome position (GRCh38, 1-based): chr5:177,280,572, G>A. VCF-style: chr5-177280572-G-A. GRCh37 (hg19) VCF-style: chr5-176707573-G-A.
Other names: c.4757G>A, p.Arg1586His (NM_001365684.2, NM_001409308.1, NM_001409309.1 and 1 more transcripts); c.5630G>A, p.Arg1877His (NM_001409301.1, NM_001409302.1, NM_001409303.1); c.5210G>A, p.Arg1737His (NM_001409304.1); c.4877G>A, p.Arg1626His (NM_001409305.1); c.4868G>A, p.Arg1623His (NM_001409306.1, NM_001409307.1); short protein forms R1877H, R1608H, R1737H, R1623H, R1586H, R1626H.
Identifiers: ClinVar variation 436067 (VCV000436067.8), dbSNP rs1554204064, ClinGen allele CA362311919.
Genomic context (GRCh38, chr5:177,280,572, plus strand): 5'-AATTGTCTTCTGCTGACTTGTTTTATGCGGTGTACTTTGTGTTACTTTTCCAGGTAAACC[G>A]TCCTATTGGCAGGGTACAGATCTTCACTGCAGACTTATCTGAAATACCCCGTTGCAACTG-3'
Protein context (NP_071900.2, residues 1867-1887): PPPYKHIKVN[Arg1877His]PIGRVQIFTA

ClinVar aggregate classification (germline): Conflicting classifications of pathogenicity. Review status: criteria provided, conflicting classifications (1 of 4 stars). 3 submissions from 3 submitters: Uncertain significance (1); Likely benign (1). 1 of the submissions does not count toward it. Last evaluated 2024-06-24.

Conditions:
Sotos syndrome (SOTOS). Also called: CEREBRAL GIGANTISM; Sotos' syndrome; Distinctive facial appearance, overgrowth in childhood, and learning disabilities or delayed development; CHROMOSOME 5q35 DELETION SYNDROME; SOTOS SYNDROME 1. Identifiers: Orphanet 821, MedGen C0175695, MONDO:0019349, OMIM 117550.

Allele frequency attached by ClinVar (database versions not stated): gnomAD exomes below 0.00001.
gnomAD v4.1: 1 of 1,614,172 alleles (0.000062%); highest among the groups gnomAD compares: Non-Finnish European, 0.000085%; no homozygotes.

Submissions (3):

GeneDx
Classification: Uncertain significance. Last evaluated: 2024-06-24. Review status: criteria provided, single submitter. Criteria: GeneDx Variant Classification Process June 2021. Collection method: clinical testing. Allele origin: germline. Affected: yes.
Comment: Not observed at significant frequency in large population cohorts (gnomAD); In silico analysis supports that this missense variant has a deleterious effect on protein structure/function; Has not been previously published as pathogenic or benign to our knowledge

Genetic Services Laboratory, University of Chicago
Classification: Likely benign. Last evaluated: 2017-06-23. Review status: criteria provided, single submitter. Criteria: ACMG Guidelines, 2015. Collection method: clinical testing. Allele origin: germline. Affected: no.

Diagnostics Centre, Carl Von Ossietzky University Oldenburg
Classification: Likely pathogenic for Sotos syndrome. Last evaluated: 2024-12-17. Review status: no assertion criteria provided. Collection method: clinical testing. Allele origin: germline. Affected: yes. Observed: 1 variant allele. Not counted in ClinVar's aggregate classification.
Comment: The variant NSD1:c.5630G>A p.Arg1877His, located in the coding exon 18 of NSD1 gene, results from a guanine to adenine substitution at nucleotide position c.5630. The arginine residue at protein position 1887 is replaced by a hystidine. In silico tools predict a deleterious effect in the protein structure/function (REVEL = 0,67). The variant has been classified as benign in one entry in ClinVar (ClinVar ID: 436067) but whitout any further information. Missense variants in this gene or the affected region are a known disease mechanism and are rare in the general population. The affected protein region has significant levels of missense constrain. This variant is classified as rare in the overall population (MAF 6,1 * e-7 in gnomAD, v4.1.0). A segregation study of the parents has shown that the variant is present de novo. In summary, this variant is classified as Likely pathogenic.